The following is an entry in ClinVar:

ClinVar aggregate classification (germline): Pathogenic. Review status: criteria provided, multiple submitters, no conflicts (2 of 4 stars). 2 submissions from 2 submitters: Pathogenic (2). Last evaluated 2023-06-08.

Conditions:
Ataxia-telangiectasia syndrome (AT). Also called: Ataxia-telangiectasia, complementation group D; AT, COMPLEMENTATION GROUP C; Ataxia-telangiectasia; Ataxia telangiectasia (A-T); Cerebello-oculocutaneous telangiectasia; Immunodeficiency with ataxia telangiectasia. Identifiers: Orphanet 100, MedGen C0004135, MONDO:0008840, OMIM 208900.
Hereditary cancer-predisposing syndrome. Also called: Neoplastic Syndromes, Hereditary; Hereditary neoplastic syndrome; Tumor predisposition; Hereditary Cancer Syndrome. Identifiers: Orphanet 140162, MedGen C0027672, MeSH D009386, MONDO:0015356.

Submissions (2):

Ambry Genetics
Classification: Pathogenic for Hereditary cancer-predisposing syndrome. Last evaluated: 2023-06-08. Review status: criteria provided, single submitter. Criteria: Ambry Variant Classification Scheme 2023. Collection method: clinical testing. Allele origin: germline.
Comment: The p.L1157* pathogenic mutation (also known as c.3470T>A), located in coding exon 23 of the ATM gene, results from a T to A substitution at nucleotide position 3470. This changes the amino acid from a leucine to a stop codon within coding exon 23. This variant is considered to be rare based on population cohorts in the Genome Aggregation Database (gnomAD). This alteration is expected to result in loss of function by premature protein truncation or nonsense-mediated mRNA decay. As such, this alteration is interpreted as a disease-causing mutation.

Labcorp Genetics (formerly Invitae), Labcorp
Classification: Pathogenic for Ataxia-telangiectasia syndrome. Last evaluated: 2022-03-10. Review status: criteria provided, single submitter. Criteria: Invitae Variant Classification Sherloc (09022015). Collection method: clinical testing. Allele origin: germline.
Comment: This variant has not been reported in the literature in individuals affected with ATM-related conditions. Algorithms developed to predict the effect of sequence changes on RNA splicing suggest that this variant may disrupt the consensus splice site. For these reasons, this variant has been classified as Pathogenic. This variant is not present in population databases (gnomAD no frequency). This sequence change creates a premature translational stop signal (p.Leu1157*) in the ATM gene. It is expected to result in an absent or disrupted protein product. Loss-of-function variants in ATM are known to be pathogenic (PMID: 23807571, 25614872).

Literature cited by the submitters: PubMed 23807571 (cited by Labcorp Genetics (formerly Invitae), Labcorp); PubMed 25614872 (cited by Labcorp Genetics (formerly Invitae), Labcorp).

NM_000051.4(ATM):c.3470T>A (p.Leu1157Ter)

Gene: ATM (ATM serine/threonine kinase; plus strand). Cytogenetic location: 11q22.3.
Variant type: single nucleotide variant.
Coding change: c.3470T>A on transcript NM_000051.4 (MANE Select); coding-DNA position 3470, T replaced by A.
Protein change: p.Leu1157Ter; replaces leucine 1157 with a stop codon.
Molecular consequence: nonsense.
Genome position (GRCh38, 1-based): chr11:108,281,062, T>A. VCF-style: chr11-108281062-T-A. GRCh37 (hg19) VCF-style: chr11-108151789-T-A.
Other names: c.3470T>A, p.Leu1157Ter (NM_001351834.2); short protein forms L1157*.
Identifiers: ClinVar variation 1942641 (VCV001942641.7), dbSNP rs2135667225, ClinGen allele CA382519443.
Genomic context (GRCh38, chr11:108,281,062, plus strand): 5'-GTGCTGAGAACCCTGAAACTTTGGATGAAATTTATAATAGAAAATCTGTTTTACTGACGT[T>A]GATAGCTGTGGTTTTATCCTGTAGCCCTATCTGCGAAAAACAGGCTTTGTTTGCCCTGTG-3'